The following continues an entry in ClinVar:

NM_000298.6(PKLR):c.1529G>A (p.Arg510Gln)

Gene: PKLR. ClinVar aggregate classification (germline): Pathogenic. Pathogenic (22).

Submissions 22 to 25 of 25:

Imagene.me medical diagnostic laboratory, IMAGENE.ME SA
Classification: Pathogenic for Pyruvate kinase deficiency of red cells. Review status: criteria provided, single submitter. Criteria: IMAGENE.ME Variant Classification SOP 2022. Collection method: clinical testing. Allele origin: germline.
Comment: Classified according to the IMAGENE.ME variant classification SOP based on the ACMG guidelines as Pathogenic (P): PP3_Strong + PS3_Supporting + PS4 + PP4_Moderate

OMIM
Classification: Pathogenic for ANEMIA, CONGENITAL, NONSPHEROCYTIC HEMOLYTIC, 2. Last evaluated: 2001-11-15. Review status: no assertion criteria provided. Collection method: literature only. Allele origin: germline. Not counted in ClinVar's aggregate classification.

Genome Diagnostics Laboratory, University Medical Center Utrecht
Classification: Pathogenic. Review status: no assertion criteria provided. Collection method: clinical testing. Allele origin: germline. Affected: yes. Study: VKGL Data-share Consensus. Not counted in ClinVar's aggregate classification.

Joint Genome Diagnostic Labs from Nijmegen and Maastricht, Radboudumc and MUMC+
Classification: Pathogenic. Review status: no assertion criteria provided. Collection method: clinical testing. Allele origin: germline. Affected: yes. Study: VKGL Data-share Consensus. Not counted in ClinVar's aggregate classification.

Literature cited by the submitters: PubMed 32043619 (cited by Victorian Clinical Genetics Services, Murdoch Childrens Research Institute); PubMed 9057665 (cited by 3 submitters); PubMed 8483951 (cited by 5 submitters); PubMed 11698298 (cited by 6 submitters); PubMed 18683378 (cited by Labcorp Genetics (formerly Invitae), Labcorp); PubMed 29396846 (cited by Labcorp Genetics (formerly Invitae), Labcorp and Variantyx, Inc.); PubMed 32273473 (cited by Variantyx, Inc.); PubMed 27354418 (cited by Variantyx, Inc.); PubMed 29309376 (cited by Variantyx, Inc.); PubMed 29349879 (cited by Variantyx, Inc.); PubMed 17360088 (cited by Center for Genomic Medicine, Rigshospitalet, Copenhagen University Hospital and Mayo Clinic Laboratories, Mayo Clinic); PubMed 7706479 (cited by 3 submitters); PubMed 8180378 (cited by Mayo Clinic Laboratories, Mayo Clinic); PubMed 9389718 (cited by Mayo Clinic Laboratories, Mayo Clinic and Illumina Laboratory Services, Illumina); PubMed 12393511 (cited by Illumina Laboratory Services, Illumina); PubMed 21815188 (cited by Illumina Laboratory Services, Illumina); PubMed 26658699 (cited by Illumina Laboratory Services, Illumina).